The following is an entry in ClinVar:

ClinVar aggregate classification (germline): Likely benign. Review status: criteria provided, multiple submitters, no conflicts (2 of 4 stars). 5 submissions from 5 submitters: Likely benign (5). Last evaluated 2025-05-05.

Conditions:
Inborn genetic diseases. Identifiers: MedGen C0950123, MeSH D030342.
Fanconi anemia (FA). Also called: Fanconi's anemia. Identifiers: Orphanet 84, MedGen C0015625, MeSH D005199, MONDO:0019391.

Allele frequency attached by ClinVar (database versions not stated): gnomAD 0.00001; gnomAD exomes 0.00001 and 0.00002; ExAC 0.00002; TOPMed 0.00002.
gnomAD v4.1: 25 of 1,577,930 alleles (0.0016%); highest among the groups gnomAD compares: Middle Eastern, 0.033%; no homozygotes.

Submissions (5):

Labcorp Genetics (formerly Invitae), Labcorp
Classification: Likely benign for Fanconi anemia. Last evaluated: 2025-05-05. Review status: criteria provided, single submitter. Criteria: Invitae Variant Classification Sherloc (09022015). Collection method: clinical testing. Allele origin: germline.

CeGaT Center for Human Genetics Tuebingen
Classification: Likely benign. Last evaluated: 2024-12-01. Review status: criteria provided, single submitter. Criteria: CeGaT Center For Human Genetics Tuebingen Variant Classification Criteria Version 2. Collection method: clinical testing. Allele origin: germline. Affected: yes. Observed: 1 variant allele.
Comment: FANCM: BP4, BP7

Ambry Genetics
Classification: Likely benign for Inborn genetic diseases. Last evaluated: 2024-10-17. Review status: criteria provided, single submitter. Criteria: Ambry Variant Classification Scheme 2023. Collection method: clinical testing. Allele origin: germline.

Blueprint Genetics
Classification: Likely benign. Last evaluated: 2024-07-23. Review status: criteria provided, single submitter. Criteria: ACMG Guidelines, 2015. Collection method: clinical testing. Allele origin: germline.

Quest Diagnostics Nichols Institute San Juan Capistrano
Classification: Likely benign. Last evaluated: 2023-07-13. Review status: criteria provided, single submitter. Criteria: Quest Diagnostics criteria. Collection method: clinical testing. Allele origin: unknown.

NM_020937.4(FANCM):c.1143A>G (p.Ser381=)

Gene: FANCM (FA complementation group M; plus strand). Cytogenetic location: 14q21.2.
Variant type: single nucleotide variant.
Coding change: c.1143A>G on transcript NM_020937.4 (MANE Select); coding-DNA position 1143, A replaced by G.
Protein change: p.Ser381=; no amino-acid change (serine 381 retained).
Molecular consequence: synonymous variant.
Genome position (GRCh38, 1-based): chr14:45,154,012, A>G. VCF-style: chr14-45154012-A-G. GRCh37 (hg19) VCF-style: chr14-45623215-A-G.
Other names: c.1143A>G (NM_020937.3, NM_020937.2); c.1065A>G, p.Ser355= (NM_001308133.2); c.1143A>G, p.Ser381= (NM_001308134.2).
Identifiers: ClinVar variation 1111132 (VCV001111132.25), dbSNP rs750921743, ClinGen allele CA7168944.